The following is an entry in ClinVar:

NM_000051.4(ATM):c.5652A>G (p.Thr1884=)

Gene: ATM (ATM serine/threonine kinase; plus strand). Cytogenetic location: 11q22.3.
Variant type: single nucleotide variant.
Coding change: c.5652A>G on transcript NM_000051.4 (MANE Select); coding-DNA position 5652, A replaced by G.
Protein change: p.Thr1884=; no amino-acid change (threonine 1884 retained).
Molecular consequence: synonymous variant.
Genome position (GRCh38, 1-based): chr11:108,304,830, A>G. VCF-style: chr11-108304830-A-G. GRCh37 (hg19) VCF-style: chr11-108175557-A-G.
Other names: c.5652A>G, p.Thr1884= (NM_001351834.2).
Identifiers: ClinVar variation 755025 (VCV000755025.17), dbSNP rs1591718571, ClinGen allele CA476675190.
Genomic context (GRCh38, chr11:108,304,830, plus strand): 5'-ACATGTTCAGGGATTTTTCACCAGCTGTCTTCGACACTTCTCGCAAACGAGCCGATCCAC[A>G]ACCCCTGCAAACTTGGATTCAGGTATTCTATTAAATTTTTAACATTAATACTGTAAACTC-3'
Protein context (NP_000042.3, residues 1874-1894): LRHFSQTSRS[Thr1884=]TPANLDSESE

ClinVar aggregate classification (germline): Benign/Likely benign. Review status: criteria provided, multiple submitters, no conflicts (2 of 4 stars). 4 submissions from 4 submitters: Benign (1); Likely benign (2). 1 of the submissions does not count toward it. Last evaluated 2024-05-23.

Conditions:
Ataxia-telangiectasia syndrome (AT). Also called: Ataxia-telangiectasia; AT, COMPLEMENTATION GROUP C; LOUIS-BAR SYNDROME; Ataxia telangiectasia (A-T); Cerebello-oculocutaneous telangiectasia; Immunodeficiency with ataxia telangiectasia. Identifiers: Orphanet 100, MedGen C0004135, MONDO:0008840, OMIM 208900.
Hereditary cancer-predisposing syndrome. Also called: Tumor predisposition; Hereditary Cancer Syndrome; Neoplastic Syndromes, Hereditary; Hereditary neoplastic syndrome. Identifiers: Orphanet 140162, MedGen C0027672, MeSH D009386, MONDO:0015356.
Familial cancer of breast. Also called: BREAST CANCER, FAMILIAL; hereditary breast carcinoma; Hereditary breast cancer. Identifiers: Orphanet 227535, MedGen C0346153, MONDO:0016419, OMIM 114480. Disease mechanism: loss of function.

Submissions (4):

Myriad Genetics, Inc.
Classification: Benign for Familial cancer of breast. Last evaluated: 2024-05-23. Review status: criteria provided, single submitter. Criteria: Myriad Autosomal Dominant, Autosomal Recessive and X-Linked Classification Criteria (2023). Collection method: clinical testing. Allele origin: unknown.
Comment: This variant is considered benign. This variant is a silent/synonymous amino acid change and it is not expected to impact splicing.

Labcorp Genetics (formerly Invitae), Labcorp
Classification: Likely benign for Ataxia-telangiectasia syndrome. Last evaluated: 2022-07-11. Review status: criteria provided, single submitter. Criteria: Invitae Variant Classification Sherloc (09022015). Collection method: clinical testing. Allele origin: germline.

Ambry Genetics
Classification: Likely benign for Hereditary cancer-predisposing syndrome. Last evaluated: 2019-03-10. Review status: criteria provided, single submitter. Criteria: Ambry Variant Classification Scheme 2023. Collection method: clinical testing. Allele origin: germline.

Department of Pathology and Laboratory Medicine, Sinai Health System
Classification: Likely benign. Review status: no assertion criteria provided. Collection method: clinical testing. Allele origin: unknown. Affected: yes. Observed: 1 variant allele. Study: The Canadian Open Genetics Repository (COGR). Not counted in ClinVar's aggregate classification.
Comment: The ATM p.Thr1884= variant was not identified in the literature nor was it identified in the dbSNP, ClinVar, COGR, Cosmic, MutDB, LOVD 3.0, and ATM-LOVD, databases. The variant was not identified in the following control databases: the 1000 Genomes Project, the NHLBI GO Exome Sequencing Project, and the Exome Aggregation Consortium (August 8th 2016), or the Genome Aggregation Database (Feb 27, 2017). The p.Thr1884= variant is not expected to have clinical significance because it does not result in a change of amino acid and is not located in a known consensus splice site. In addition, in silico or computational prediction software programs (SpliceSiteFinder, MaxEntScan, NNSPLICE, GeneSplicer, HumanSpliceFinder) do not predict a difference in splicing. The variant occurs outside of the splicing consensus sequence and in silico or computational prediction software programs (SpliceSiteFinder, MaxEntScan, NNSPLICE, GeneSplicer, HumanSpliceFinder) do not predict a difference in splicing. In summary, based on the above information the clinical significance of this variant cannot be determined with certainty at this time although we would lean towards a more benign role for this variant. This variant is classified as likely benign.